The following is an entry in ClinVar:

ClinVar aggregate classification (germline): Uncertain significance. Review status: criteria provided, multiple submitters, no conflicts (2 of 4 stars). 2 submissions from 2 submitters: Uncertain significance (2). Last evaluated 2022-04-17.

Allele frequency attached by ClinVar (database versions not stated): ExAC 0.00002; gnomAD exomes 0.00002; gnomAD 0.00003; TOPMed 0.00004; ESP Exome Variant Server 0.00008.
gnomAD v4.1: 84 of 1,613,762 alleles (0.0052%); highest among the groups gnomAD compares: Non-Finnish European, 0.0062%; no homozygotes.

Submissions (2):

Labcorp Genetics (formerly Invitae), Labcorp
Classification: Uncertain significance. Last evaluated: 2022-04-17. Review status: criteria provided, single submitter. Criteria: Invitae Variant Classification Sherloc (09022015). Collection method: clinical testing. Allele origin: germline.
Comment: This sequence change replaces glycine, which is neutral and non-polar, with serine, which is neutral and polar, at codon 1633 of the KIAA1549 protein (p.Gly1633Ser). This variant is present in population databases (rs369244498, gnomAD 0.005%). This variant has not been reported in the literature in individuals affected with KIAA1549-related conditions. ClinVar contains an entry for this variant (Variation ID: 1059298). Algorithms developed to predict the effect of missense changes on protein structure and function (SIFT, PolyPhen-2, Align-GVGD) all suggest that this variant is likely to be disruptive. In summary, the available evidence is currently insufficient to determine the role of this variant in disease. Therefore, it has been classified as a Variant of Uncertain Significance.

Blueprint Genetics
Classification: Uncertain significance. Last evaluated: 2021-10-11. Review status: criteria provided, single submitter. Criteria: ACMG Guidelines, 2015. Collection method: clinical testing. Allele origin: germline.

NM_001164665.2(KIAA1549):c.4897G>A (p.Gly1633Ser)

Gene: KIAA1549 (KIAA1549; minus strand). Cytogenetic location: 7q34.
Variant type: single nucleotide variant.
Coding change: c.4897G>A on transcript NM_001164665.2 (MANE Select); coding-DNA position 4897, G replaced by A.
Protein change: p.Gly1633Ser; replaces glycine 1633 with serine.
Molecular consequence: missense variant.
Genome position (GRCh38, 1-based): chr7:138,868,007, C>T on the plus strand (G>A on the coding strand, the complement: KIAA1549 is on the minus strand). VCF-style: chr7-138868007-C-T. GRCh37 (hg19) VCF-style: chr7-138552753-C-T.
Other names: c.4897G>A, p.Gly1633Ser (NM_020910.3); short protein forms G1633S.
Identifiers: ClinVar variation 1059298 (VCV001059298.7), dbSNP rs369244498, ClinGen allele CA4505726.